The following is an entry in ClinVar:

ClinVar aggregate classification (germline): Likely pathogenic (1 of 4 stars; one submission).

Allele frequency attached by ClinVar (database versions not stated): gnomAD 0.00001; TOPMed 0.00002.

Submissions (2):

Labcorp Genetics (formerly Invitae), Labcorp
Classification: Likely pathogenic. Last evaluated: 2023-01-01. Review status: criteria provided, single submitter. Criteria: Invitae Variant Classification Sherloc (09022015). Collection method: clinical testing. Allele origin: germline.
Comment: This sequence change affects a donor splice site in intron 20 of the COL4A2 gene. It is expected to disrupt RNA splicing. Variants that disrupt the donor or acceptor splice site typically lead to a loss of protein function (PMID: 16199547), and loss-of-function variants in COL4A2 are known to be pathogenic (PMID: 22333902, 30315939). In summary, the currently available evidence indicates that the variant is pathogenic, but additional data are needed to prove that conclusively. Therefore, this variant has been classified as Likely Pathogenic. This variant has not been reported in the literature in individuals affected with COL4A2-related conditions. This variant is present in population databases (no rsID available, gnomAD 0.01%).

Dr. Peter K. Rogan Lab, Western University
No classification provided (evidence only). Condition: Thyroid cancer, nonmedullary, 1. Review status: no classification provided. Collection method: in vitro. Allele origin: not applicable. Functional consequence: retained intron. Not counted in ClinVar's aggregate classification.

Literature cited by the submitters: PubMed 16199547 (cited by Labcorp Genetics (formerly Invitae), Labcorp); PubMed 22333902 (cited by Labcorp Genetics (formerly Invitae), Labcorp); PubMed 30315939 (cited by Labcorp Genetics (formerly Invitae), Labcorp).

NM_001846.4(COL4A2):c.1339+2T>C

Gene: COL4A2 (collagen type IV alpha 2 chain; plus strand). Cytogenetic location: 13q34.
Variant type: single nucleotide variant.
Coding change: c.1339+2T>C on transcript NM_001846.4 (MANE Select); the canonical splice donor site of the intron after coding-DNA position 1339, T replaced by C.
Molecular consequence: splice donor variant.
Genome position (GRCh38, 1-based): chr13:110,450,456, T>C. VCF-style: chr13-110450456-T-C. GRCh37 (hg19) VCF-style: chr13-111102803-T-C.
Identifiers: ClinVar variation 2999256 (VCV002999256.4), dbSNP rs1022142909, ClinGen allele CA256301982.